The following is an entry in ClinVar:

ClinVar aggregate classification (germline): Uncertain significance (1 of 4 stars; one submission).

Conditions:
Genitopatellar syndrome (GTPTS). Also called: Genitopatellar syndrome (GPS); ABSENT PATELLAE, SCROTAL HYPOPLASIA, RENAL ANOMALIES, FACIAL DYSMORPHISM, AND MENTAL RETARDATION. Identifiers: Orphanet 85201, MedGen C1853566, MONDO:0011640, OMIM 606170.

Submission:

Labcorp Genetics (formerly Invitae), Labcorp
Classification: Uncertain significance for Genitopatellar syndrome. Last evaluated: 2025-10-06. Review status: criteria provided, single submitter. Criteria: Invitae Variant Classification Sherloc (09022015). Collection method: clinical testing. Allele origin: germline.
Comment: This variant, c.1449_1451del, results in the deletion of 1 amino acid(s) of the KAT6B protein (p.Thr484del), but otherwise preserves the integrity of the reading frame. This variant is present in population databases (rs766029987, gnomAD 0.002%). This variant has not been reported in the literature in individuals affected with KAT6B-related conditions. ClinVar contains an entry for this variant (Variation ID: 2713295). Experimental studies and prediction algorithms are not available or were not evaluated, and the functional significance of this variant is currently unknown. In summary, the available evidence is currently insufficient to determine the role of this variant in disease. Therefore, it has been classified as a Variant of Uncertain Significance.

NM_012330.4(KAT6B):c.1449_1451del (p.Thr484del)

Gene: KAT6B (lysine acetyltransferase 6B; plus strand). Cytogenetic location: 10q22.2.
Variant type: Deletion.
Coding change: c.1449_1451del on transcript NM_012330.4 (MANE Select); coding-DNA positions 1449 to 1451, 3 bases deleted (CAC; older notation c.1449_1451delCAC).
Protein change: p.Thr484del; deletes threonine 484.
Molecular consequence: inframe deletion. On other transcripts: intron variant (13).
Genome position (GRCh38, 1-based): chr10:74,975,786-74,975,788, CAC deleted; deleting any 3 consecutive bases within chr10:74,975,784-74,975,788 gives the same sequence; the c. name uses the placement nearest the transcript's 3' end. VCF-style (leftmost placement, unchanged base first): chr10-74975783-TACC-T. GRCh37 (hg19) VCF-style: chr10-76735541-TACC-T.
Other names: c.1449_1451del, p.Thr484del (NM_001370136.1, NM_001370137.1); c.1117+332_1117+334del (NM_001370139.1, NM_001370140.1, NM_001370141.1 and 3 more transcripts); c.1444+5_1444+7del (NM_001370138.1, NM_001256468.2); c.846+6011_846+6013del (NM_001370133.1); c.193-3438_193-3436del (NM_001370134.1); c.929-1530_929-1528del (NM_001370143.1, NM_001370144.1); c.193-13233_193-13231del (NM_001370135.1); short protein forms T484del.
Identifiers: ClinVar variation 2713295 (VCV002713295.3), dbSNP rs766029987, ClinGen allele CA5564409.